The following is an entry in ClinVar:

NM_002381.5(MATN3):c.694A>T (p.Met232Leu)

Gene: MATN3 (matrilin 3; minus strand). Cytogenetic location: 2p24.1.
Variant type: single nucleotide variant.
Coding change: c.694A>T on transcript NM_002381.5 (MANE Select); coding-DNA position 694, A replaced by T.
Protein change: p.Met232Leu; replaces methionine 232 with leucine.
Molecular consequence: missense variant.
Genome position (GRCh38, 1-based): chr2:20,005,840, T>A on the plus strand (A>T on the coding strand, the complement: MATN3 is on the minus strand). VCF-style: chr2-20005840-T-A. GRCh37 (hg19) VCF-style: chr2-20205601-T-A.
Other names: short protein forms M232L.
Identifiers: ClinVar variation 2049012 (VCV002049012.4), dbSNP rs2527702584, ClinGen allele CA345950569.
Genomic context (GRCh38, chr2:20,005,840, plus strand): 5'-CAATGACCCCATAGGTCTCCACGTAGAAAACATGCTCCTCTAGGGGCTCACTGGCCATCA[T>A]CTTGAGGGACGCCATGTCTGCCCGGTCCACGCCCACAGCATAGAGCTCAATACCAGATGC-3'
Protein context (NP_002372.1, residues 222-242): VDRADMASLK[Met232Leu]MASEPLEEHV

ClinVar aggregate classification (germline): Uncertain significance (1 of 4 stars; one submission).

Submission:

Labcorp Genetics (formerly Invitae), Labcorp
Classification: Uncertain significance. Last evaluated: 2021-12-19. Review status: criteria provided, single submitter. Criteria: Invitae Variant Classification Sherloc (09022015). Collection method: clinical testing. Allele origin: germline.
Comment: This sequence change replaces methionine, which is neutral and non-polar, with leucine, which is neutral and non-polar, at codon 232 of the MATN3 protein (p.Met232Leu). In summary, the available evidence is currently insufficient to determine the role of this variant in disease. Therefore, it has been classified as a Variant of Uncertain Significance. Algorithms developed to predict the effect of missense changes on protein structure and function output the following: SIFT: "Tolerated"; PolyPhen-2: "Benign"; Align-GVGD: "Class C0". The leucine amino acid residue is found in multiple mammalian species, which suggests that this missense change does not adversely affect protein function. This variant has not been reported in the literature in individuals affected with MATN3-related conditions. This variant is not present in population databases (gnomAD no frequency).